The following is an entry in ClinVar:

NM_013266.4(CTNNA3):c.670G>C (p.Ala224Pro)

Gene: CTNNA3 (catenin alpha 3; minus strand). Cytogenetic location: 10q21.3.
Variant type: single nucleotide variant.
Coding change: c.670G>C on transcript NM_013266.4 (MANE Select); coding-DNA position 670, G replaced by C.
Protein change: p.Ala224Pro; replaces alanine 224 with proline.
Molecular consequence: missense variant.
Genome position (GRCh38, 1-based): chr10:67,219,780, C>G on the plus strand (G>C on the coding strand, the complement: CTNNA3 is on the minus strand). VCF-style: chr10-67219780-C-G. GRCh37 (hg19) VCF-style: chr10-68979538-C-G.
Other names: c.670G>C, p.Ala224Pro (NM_001127384.3); c.706G>C, p.Ala236Pro (NM_001291133.2); c.670G>C (NM_013266.2); short protein forms A224P, A236P.
Identifiers: ClinVar variation 650116 (VCV000650116.13), dbSNP rs1396052717, ClinGen allele CA377095844.

ClinVar aggregate classification (germline): Uncertain significance. Review status: criteria provided, multiple submitters, no conflicts (2 of 4 stars). 2 submissions from 2 submitters: Uncertain significance (2). Last evaluated 2025-04-03.

Conditions:
Arrhythmogenic right ventricular dysplasia 13. Also called: ARRHYTHMOGENIC RIGHT VENTRICULAR CARDIOMYOPATHY 13; Arrhythmogenic right ventricular dysplasia, familial, 13. Identifiers: MedGen C3810138, MONDO:0000908, OMIM 615616.

Allele frequency attached by ClinVar (database versions not stated): gnomAD exomes 0.00001 and 0.00002.
gnomAD v4.1: 6 of 1,614,094 alleles (0.00037%); highest among the groups gnomAD compares: Admixed American, 0.01%; no homozygotes.

Submissions (2):

Ambry Genetics
Classification: Uncertain significance. Last evaluated: 2025-04-03. Review status: criteria provided, single submitter. Criteria: Ambry Variant Classification Scheme 2023. Collection method: clinical testing. Allele origin: germline.

Labcorp Genetics (formerly Invitae), Labcorp
Classification: Uncertain significance for Arrhythmogenic right ventricular dysplasia 13. Last evaluated: 2022-10-13. Review status: criteria provided, single submitter. Criteria: Invitae Variant Classification Sherloc (09022015). Collection method: clinical testing. Allele origin: germline.
Comment: In summary, the available evidence is currently insufficient to determine the role of this variant in disease. Therefore, it has been classified as a Variant of Uncertain Significance. Advanced modeling of protein sequence and biophysical properties (such as structural, functional, and spatial information, amino acid conservation, physicochemical variation, residue mobility, and thermodynamic stability) performed at Invitae indicates that this missense variant is expected to disrupt CTNNA3 protein function. ClinVar contains an entry for this variant (Variation ID: 650116). This variant has not been reported in the literature in individuals affected with CTNNA3-related conditions. This variant is present in population databases (no rsID available, gnomAD 0.01%). This sequence change replaces alanine, which is neutral and non-polar, with proline, which is neutral and non-polar, at codon 224 of the CTNNA3 protein (p.Ala224Pro).